The following is an entry in ClinVar:

ClinVar aggregate classification (germline): Pathogenic (1 of 4 stars; one submission).

Conditions:
Fanconi anemia (FA). Also called: Fanconi's anemia. Identifiers: Orphanet 84, MedGen C0015625, MeSH D005199, MONDO:0019391.

Allele frequency attached by ClinVar (database versions not stated): ExAC 0.00002.
gnomAD v4.1: 33 of 1,610,014 alleles (0.002%); highest among the groups gnomAD compares: Non-Finnish European, 0.0028%; no homozygotes.

Submission:

Labcorp Genetics (formerly Invitae), Labcorp
Classification: Pathogenic for Fanconi anemia. Last evaluated: 2024-11-24. Review status: criteria provided, single submitter. Criteria: Invitae Variant Classification Sherloc (09022015). Collection method: clinical testing. Allele origin: germline.
Comment: This sequence change creates a premature translational stop signal (p.Gln1501*) in the FANCM gene. It is expected to result in an absent or disrupted protein product. Loss-of-function variants in FANCM are known to be pathogenic (PMID: 29895858, 30075111). This variant is present in population databases (rs755947203, gnomAD 0.003%). This variant has not been reported in the literature in individuals affected with FANCM-related conditions. ClinVar contains an entry for this variant (Variation ID: 2912612). Algorithms developed to predict the effect of sequence changes on RNA splicing suggest that this variant may disrupt the consensus splice site. For these reasons, this variant has been classified as Pathogenic.

Literature cited by the submitters: PubMed 29895858; PubMed 30075111.

NM_020937.4(FANCM):c.4501C>T (p.Gln1501Ter)

Gene: FANCM (FA complementation group M; plus strand). Cytogenetic location: 14q21.2.
Variant type: single nucleotide variant.
Coding change: c.4501C>T on transcript NM_020937.4 (MANE Select); coding-DNA position 4501, C replaced by T.
Protein change: p.Gln1501Ter; replaces glutamine 1501 with a stop codon.
Molecular consequence: nonsense.
Genome position (GRCh38, 1-based): chr14:45,183,888, C>T. VCF-style: chr14-45183888-C-T. GRCh37 (hg19) VCF-style: chr14-45653091-C-T.
Other names: c.4423C>T, p.Gln1475Ter (NM_001308133.2); short protein forms Q1501*, Q1475*.
Identifiers: ClinVar variation 2912612 (VCV002912612.3), dbSNP rs755947203, ClinGen allele CA7169764.